The following is an entry in ClinVar:

NM_004465.2(FGF10):c.112C>G (p.Gln38Glu)

Gene: FGF10 (fibroblast growth factor 10; minus strand). Cytogenetic location: 5p12.
Variant type: single nucleotide variant.
Coding change: c.112C>G on transcript NM_004465.2 (MANE Select); coding-DNA position 112, C replaced by G.
Protein change: p.Gln38Glu; replaces glutamine 38 with glutamic acid.
Molecular consequence: missense variant.
Genome position (GRCh38, 1-based): chr5:44,388,571, G>C on the plus strand (C>G on the coding strand, the complement: FGF10 is on the minus strand). VCF-style: chr5-44388571-G-C. GRCh37 (hg19) VCF-style: chr5-44388673-G-C.
Other names: short protein forms Q38E.
Identifiers: ClinVar variation 2877750 (VCV002877750.3), dbSNP rs2478543701, ClinGen allele CA359699639.

ClinVar aggregate classification (germline): Uncertain significance (1 of 4 stars; one submission).

Submission:

Labcorp Genetics (formerly Invitae), Labcorp
Classification: Uncertain significance. Last evaluated: 2025-01-23. Review status: criteria provided, single submitter. Criteria: Invitae Variant Classification Sherloc (09022015). Collection method: clinical testing. Allele origin: germline.
Comment: This sequence change replaces glutamine, which is neutral and polar, with glutamic acid, which is acidic and polar, at codon 38 of the FGF10 protein (p.Gln38Glu). This variant is not present in population databases (gnomAD no frequency). This variant has not been reported in the literature in individuals affected with FGF10-related conditions. ClinVar contains an entry for this variant (Variation ID: 2877750). An algorithm developed to predict the effect of missense changes on protein structure and function (PolyPhen-2) suggests that this variant is likely to be tolerated. In summary, the available evidence is currently insufficient to determine the role of this variant in disease. Therefore, it has been classified as a Variant of Uncertain Significance.